The following is an entry in ClinVar:

ClinVar aggregate classification (germline): Uncertain significance. Review status: criteria provided, multiple submitters, no conflicts (2 of 4 stars). 2 submissions from 2 submitters: Uncertain significance (2). Last evaluated 2021-07-14.

Conditions:
Classic homocystinuria. Also called: Homocystinuria due to Cystathionine Beta-Synthase Deficiency; HOMOCYSTINURIA WITH OR WITHOUT RESPONSE TO PYRIDOXINE; Homocystinuria due to CBS deficiency; Cystathionine beta-synthase deficiency; CBS deficiency. Identifiers: Orphanet 394, MedGen C0751202, MONDO:0009352, OMIM 236200.

Allele frequency attached by ClinVar (database versions not stated): gnomAD exomes below 0.00001.

Submissions (2):

Genome-Nilou Lab
Classification: Uncertain significance for Classic homocystinuria. Last evaluated: 2021-07-14. Review status: criteria provided, single submitter. Criteria: ACMG Guidelines, 2015. Collection method: clinical testing. Allele origin: germline. Affected: no.

Neuberg Centre For Genomic Medicine, NCGM
Classification: Uncertain significance for Classic homocystinuria. Review status: criteria provided, single submitter. Criteria: ACMG Guidelines, 2015. Collection method: clinical testing. Allele origin: germline. Inheritance: Autosomal recessive inheritance. Affected: yes.
Comment: The missense variant c.1195G>A (p.Glu399Lys) in CBS gene has not been reported previously as a pathogenic variant nor as a benign variant, to our knowledge. This variant has been reported to the ClinVar database as Uncertain Significance. The p.Glu399Lys variant is novel (not in any individuals) in 1000 Genomes and allele frequency of 0.0003981% is reported in gnomAD. The amino acid Glu at position 399 is changed to a Lys changing protein sequence and it might alter its composition and physico-chemical properties. In silico tools predict the variant to be tolerated. The residue is conserved across species. The amino acid change p.Glu399Lys in CBS is predicted as conserved by GERP++ and PhyloP across 100 vertebrates. For these reasons, this variant has been classified as Uncertain Significance.

NM_000071.3(CBS):c.1195G>A (p.Glu399Lys)

Gene: CBS (cystathionine beta-synthase; minus strand). Cytogenetic location: 21q22.3.
Variant type: single nucleotide variant.
Coding change: c.1195G>A on transcript NM_000071.3 (MANE Select); coding-DNA position 1195, G replaced by A.
Protein change: p.Glu399Lys; replaces glutamic acid 399 with lysine.
Molecular consequence: missense variant.
Genome position (GRCh38, 1-based): chr21:43,059,254, C>T on the plus strand (G>A on the coding strand, the complement: CBS is on the minus strand). VCF-style: chr21-43059254-C-T. GRCh37 (hg19) VCF-style: chr21-44479364-C-T.
Other names: c.1195G>A, p.Glu399Lys (NM_001178008.3, NM_001178009.3, NM_001320298.2); c.880G>A, p.Glu294Lys (NM_001321072.1); c.1195G>A (NM_001178008.2); short protein forms E294K, E399K.
Identifiers: ClinVar variation 1195949 (VCV001195949.4), dbSNP rs1485255027, ClinGen allele CA410397715.
Genomic context (GRCh38, chr21:43,059,254, plus strand): 5'-CAGGCAGCGGGTCTCCGGCCGAGCGGTCTTACCAGGGCTTCTTCTCCGTGAGGTCCTCCT[C>T]CTTCAGAAAGCCCTTCTGCAGCATCCACCTGTCGCTCAGGAACTTGGTCCTGCGGGATGG-3'
Protein context (NP_000062.1, residues 389-409): RWMLQKGFLK[Glu399Lys]EDLTEKKPWW